The following is an entry in ClinVar:

ClinVar aggregate classification (germline): Uncertain significance (1 of 4 stars; one submission).

Conditions:
Gastrointestinal stromal tumor. Also called: Gastrointestinal stromal tumor, somatic; Gastrointestinal stroma tumor. Identifiers: Orphanet 44890, MedGen C0238198, MeSH D046152, MONDO:0011719, OMIM 606764, HP:0100723.

Submission:

Labcorp Genetics (formerly Invitae), Labcorp
Classification: Uncertain significance for Gastrointestinal stromal tumor. Last evaluated: 2024-08-12. Review status: criteria provided, single submitter. Criteria: Invitae Variant Classification Sherloc (09022015). Collection method: clinical testing. Allele origin: germline.
Comment: This sequence change replaces cysteine, which is neutral and slightly polar, with tyrosine, which is neutral and polar, at codon 691 of the KIT protein (p.Cys691Tyr). This variant is not present in population databases (gnomAD no frequency). This variant has not been reported in the literature in individuals affected with KIT-related conditions. An algorithm developed to predict the effect of missense changes on protein structure and function outputs the following: PolyPhen-2: "Benign". The tyrosine amino acid residue is found in multiple mammalian species, which suggests that this missense change does not adversely affect protein function. In summary, the available evidence is currently insufficient to determine the role of this variant in disease. Therefore, it has been classified as a Variant of Uncertain Significance.

NM_000222.3(KIT):c.2072G>A (p.Cys691Tyr)

Gene: KIT (KIT proto-oncogene, receptor tyrosine kinase; plus strand). Cytogenetic location: 4q12.
Variant type: single nucleotide variant.
Coding change: c.2072G>A on transcript NM_000222.3 (MANE Select); coding-DNA position 2072, G replaced by A.
Protein change: p.Cys691Tyr; replaces cysteine 691 with tyrosine.
Molecular consequence: missense variant.
Genome position (GRCh38, 1-based): chr4:54,729,416, G>A. VCF-style: chr4-54729416-G-A. GRCh37 (hg19) VCF-style: chr4-55595582-G-A.
Other names: c.2060G>A, p.Cys687Tyr (NM_001093772.2, NM_001385286.1); c.2075G>A, p.Cys692Tyr (NM_001385284.1, NM_001385290.1); c.2072G>A, p.Cys691Tyr (NM_001385285.1); c.2063G>A, p.Cys688Tyr (NM_001385288.1, NM_001385292.1); short protein forms C691Y, C688Y, C687Y, C692Y.
Identifiers: ClinVar variation 2733730 (VCV002733730.3), dbSNP rs35200131, ClinGen allele CA356909621.